The following is an entry in ClinVar:

NM_001008537.3(NEXMIF):c.2400del (p.Ala801fs)

Gene: NEXMIF (neurite extension and migration factor; minus strand). Cytogenetic location: Xq13.3.
Variant type: Deletion.
Coding change: c.2400del on transcript NM_001008537.3 (MANE Select); coding-DNA position 2400, one base deleted (T; older notation c.2400delT).
Protein change: p.Ala801fs; shifts the reading frame from alanine 801.
Molecular consequence: frameshift variant.
Genome position (GRCh38, 1-based): chrX:74,742,157, A deleted on the plus strand (T on the coding strand, the reverse complement: NEXMIF is on the minus strand). VCF-style (leftmost placement, unchanged base first): chrX-74742156-CA-C. GRCh37 (hg19) VCF-style: chrX-73961991-CA-C.
Other names: short protein forms A801fs.
Identifiers: ClinVar variation 962211 (VCV000962211.8), dbSNP rs2080107446, ClinGen allele CA1139667663.

ClinVar aggregate classification (germline): Pathogenic (1 of 4 stars; one submission).

Submission:

Labcorp Genetics (formerly Invitae), Labcorp
Classification: Pathogenic. Last evaluated: 2023-11-10. Review status: criteria provided, single submitter. Criteria: Invitae Variant Classification Sherloc (09022015). Collection method: clinical testing. Allele origin: germline.
Comment: This sequence change creates a premature translational stop signal (p.Ala801Leufs*19) in the NEXMIF gene. It is expected to result in an absent or disrupted protein product. Loss-of-function variants in NEXMIF are known to be pathogenic (PMID: 23615299). This variant is not present in population databases (gnomAD no frequency). This variant has not been reported in the literature in individuals affected with NEXMIF-related conditions. ClinVar contains an entry for this variant (Variation ID: 962211). For these reasons, this variant has been classified as Pathogenic.

Literature cited by the submitters: PubMed 23615299.